The following is an entry in ClinVar:

NM_001042492.3(NF1):c.4081C>A (p.Leu1361Ile)

Gene: NF1 (neurofibromin 1; plus strand). Cytogenetic location: 17q11.2.
Variant type: single nucleotide variant.
Coding change: c.4081C>A on transcript NM_001042492.3 (MANE Select); coding-DNA position 4081, C replaced by A.
Protein change: p.Leu1361Ile; replaces leucine 1361 with isoleucine.
Molecular consequence: missense variant.
Genome position (GRCh38, 1-based): chr17:31,249,090, C>A. VCF-style: chr17-31249090-C-A. GRCh37 (hg19) VCF-style: chr17-29576108-C-A.
Other names: c.4081C>A, p.Leu1361Ile (NM_000267.4); short protein forms L1361I.
Identifiers: ClinVar variation 2854210 (VCV002854210.4), dbSNP rs2151451595, ClinGen allele CA398995044.

ClinVar aggregate classification (germline): Uncertain significance. Review status: criteria provided, multiple submitters, no conflicts (2 of 4 stars). 2 submissions from 2 submitters: Uncertain significance (2). Last evaluated 2023-09-29.

Conditions:
Cardiovascular phenotype. Identifiers: MedGen CN230736.
Hereditary cancer-predisposing syndrome. Also called: Hereditary Cancer Syndrome; Hereditary neoplastic syndrome; Neoplastic Syndromes, Hereditary; Tumor predisposition. Identifiers: Orphanet 140162, MedGen C0027672, MeSH D009386, MONDO:0015356.
Neurofibromatosis, type 1 (NF1). Also called: VON RECKLINGHAUSEN DISEASE; Neurofibromatosis, type I; Peripheral type neurofibromatosis; NEUROFIBROMATOSIS, TYPE I, SOMATIC. Identifiers: Orphanet 636, MedGen C0027831, MONDO:0018975, OMIM 162200. Disease mechanism: loss of function.

Submissions (2):

Ambry Genetics
Classification: Uncertain significance for Cardiovascular phenotype; Hereditary cancer-predisposing syndrome. Last evaluated: 2023-09-29. Review status: criteria provided, single submitter. Criteria: Ambry Variant Classification Scheme 2023. Collection method: clinical testing. Allele origin: germline.
Comment: The p.L1361I variant (also known as c.4081C>A), located in coding exon 30 of the NF1 gene, results from a C to A substitution at nucleotide position 4081. The leucine at codon 1361 is replaced by isoleucine, an amino acid with highly similar properties. This amino acid position is conserved. In addition, the in silico prediction for this alteration is inconclusive. Since supporting evidence is limited at this time, the clinical significance of this alteration remains unclear.

Labcorp Genetics (formerly Invitae), Labcorp
Classification: Uncertain significance for Neurofibromatosis, type 1. Last evaluated: 2023-04-09. Review status: criteria provided, single submitter. Criteria: Invitae Variant Classification Sherloc (09022015). Collection method: clinical testing. Allele origin: germline.
Comment: In summary, the available evidence is currently insufficient to determine the role of this variant in disease. Therefore, it has been classified as a Variant of Uncertain Significance. Advanced modeling of protein sequence and biophysical properties (such as structural, functional, and spatial information, amino acid conservation, physicochemical variation, residue mobility, and thermodynamic stability) performed at Invitae indicates that this missense variant is expected to disrupt NF1 protein function. This variant has not been reported in the literature in individuals affected with NF1-related conditions. This variant is not present in population databases (gnomAD no frequency). This sequence change replaces leucine, which is neutral and non-polar, with isoleucine, which is neutral and non-polar, at codon 1361 of the NF1 protein (p.Leu1361Ile).